The following is an entry in ClinVar:

NM_153026.3(PRICKLE1):c.132G>A (p.Gln44=)

Gene: PRICKLE1 (prickle planar cell polarity protein 1; minus strand). Cytogenetic location: 12q12.
Variant type: single nucleotide variant.
Coding change: c.132G>A on transcript NM_153026.3 (MANE Select); coding-DNA position 132, G replaced by A.
Protein change: p.Gln44=; no amino-acid change (glutamine 44 retained).
Molecular consequence: synonymous variant.
Genome position (GRCh38, 1-based): chr12:42,472,385, C>T on the plus strand (G>A on the coding strand, the complement: PRICKLE1 is on the minus strand). VCF-style: chr12-42472385-C-T. GRCh37 (hg19) VCF-style: chr12-42866187-C-T.
Other names: p.Q44Q:CAG>CAA; c.132G>A, p.Gln44= (NM_001144881.2, NM_001144882.2, NM_001144883.2).
Identifiers: ClinVar variation 206659 (VCV000206659.6), dbSNP rs377668062, ClinGen allele CA316970.
Genomic context (GRCh38, chr12:42,472,385, plus strand): 5'-TCTAAAGTCTGAACTCACACTGAAAAACAAAGAGTAAATATAGGATGATGAAGTTCCTAC[C>T]TGCTCTGGTCTCAGGCCCGGGGGGACCCAGGCGTACTCCTCCAATGCACAGCCAGAGTCA-3'
Protein context (NP_694571.2, residues 34-54): AWVPPGLRPE[Gln44=]IQLYFACLPE

ClinVar aggregate classification (germline): Uncertain significance. Review status: criteria provided, multiple submitters, no conflicts (2 of 4 stars). 2 submissions from 2 submitters: Uncertain significance (2). Last evaluated 2018-09-05.

Conditions:
Epilepsy, progressive myoclonic, 1B. Also called: PME. Identifiers: Orphanet 308, MedGen C2676254, MONDO:0012904, OMIM 612437.

Allele frequency attached by ClinVar (database versions not stated): gnomAD exomes 0.00004 and 0.00008; ESP Exome Variant Server 0.00008; gnomAD 0.00005; TOPMed 0.00003; ExAC 0.00009.
gnomAD v4.1: 71 of 1,613,976 alleles (0.0044%); highest among the groups gnomAD compares: Middle Eastern, 0.016%; no homozygotes.

Submissions (2):

Labcorp Genetics (formerly Invitae), Labcorp
Classification: Uncertain significance for Epilepsy, progressive myoclonic, 1B. Last evaluated: 2018-09-05. Review status: criteria provided, single submitter. Criteria: Invitae Variant Classification Sherloc (09022015). Collection method: clinical testing. Allele origin: germline.
Comment: This sequence change affects codon 44 of the PRICKLE1 mRNA. It is a 'silent' change, meaning that it does not change the encoded amino acid sequence of the PRICKLE1 protein. This variant also falls at the last nucleotide of exon 2 of the PRICKLE1 coding sequence, which is part of the consensus splice site for this exon. This variant is present in population databases (rs377668062, ExAC 0.02%). This variant has not been reported in the literature in individuals with PRICKLE1-related disease. ClinVar contains an entry for this variant (Variation ID: 206659). Nucleotide substitutions within the consensus splice site are a relatively common cause of aberrant splicing (PMID: 17576681, 9536098). Algorithms developed to predict the effect of sequence changes on RNA splicing suggest that this variant may disrupt the consensus splice site, but this prediction has not been confirmed by published transcriptional studies. In summary, the available evidence is currently insufficient to determine the role of this variant in disease. Therefore, it has been classified as a Variant of Uncertain Significance.

GeneDx
Classification: Uncertain significance. Last evaluated: 2014-06-06. Review status: criteria provided, single submitter. Criteria: GeneDx Variant Classification (06012015). Collection method: clinical testing. Allele origin: germline. Affected: yes.
Comment: p.Gln44Gln (CAG>CAA): c.132 G>A in exon 2 of the PRICKLE1 gene (NM_153026.2). The c.132 G>A variant has not been published as a mutation, nor has it been reported as a benign polymorphism to our knowledge. The c.132 G>A variant was not observed with any significant frequency in approximately 6,500 individuals of European and African American ancestry in the NHLBI Exome Sequencing Project. Multiple in silico algorithms predict that c.132 G>A may damage or destroy the natural donor splice site in intron 2; however, in the absence of RNA/functional studies, the actual effect of c.132 G>A on splicing is unknown. Additionally, to our knowledge, no splice site mutations have been described in the PRICKLE1 gene. Therefore, based on the currently available information, it is unclear whether this variant is a pathogenic mutation or a rare benign variant. The variant is found in CHILD-EPI panel(s).

Literature cited by the submitters: PubMed 17576681 (cited by Labcorp Genetics (formerly Invitae), Labcorp); PubMed 9536098 (cited by Labcorp Genetics (formerly Invitae), Labcorp).